The following is an entry in ClinVar:

NM_001283009.2(RTEL1):c.2866G>C (p.Val956Leu)

Genes: RTEL1 (regulator of telomere elongation helicase 1; plus strand), RTEL1-TNFRSF6B (RTEL1-TNFRSF6B readthrough (NMD candidate); plus strand). Cytogenetic location: 20q13.33.
Variant type: single nucleotide variant.
Coding change: c.2866G>C on transcript NM_001283009.2 (MANE Select); coding-DNA position 2866, G replaced by C.
Protein change: p.Val956Leu; replaces valine 956 with leucine.
Molecular consequence: missense variant. On other transcripts: non-coding transcript variant (1).
Genome position (GRCh38, 1-based): chr20:63,693,157, G>C. VCF-style: chr20-63693157-G-C. GRCh37 (hg19) VCF-style: chr20-62324510-G-C.
Other names: c.2197G>C, p.Val733Leu (NM_001283010.1); c.2866G>C, p.Val956Leu (NM_016434.4); c.2938G>C, p.Val980Leu (NM_032957.5); short protein forms V980L, V733L, V956L.
Identifiers: ClinVar variation 1448826 (VCV001448826.8), dbSNP rs942820151, ClinGen allele CA317521905.

ClinVar aggregate classification (germline): Uncertain significance. Review status: criteria provided, multiple submitters, no conflicts (2 of 4 stars). 3 submissions from 3 submitters: Uncertain significance (3). Last evaluated 2023-12-07.

Conditions:
Dyskeratosis congenita, autosomal recessive 5 (DKCB5). Identifiers: MedGen C3554656, MONDO:0014076, OMIM 615190.
Pulmonary fibrosis and/or bone marrow failure, Telomere-related, 3. Also called: PULMONARY FIBROSIS AND/OR BONE MARROW FAILURE SYNDROME, TELOMERE-RELATED, 3. Identifiers: Orphanet 2032, MedGen C4225346, MONDO:0014613, OMIM 616373.

Allele frequency attached by ClinVar (database versions not stated): gnomAD exomes below 0.00001; gnomAD 0.00001; TOPMed 0.00001.
gnomAD v4.1: 7 of 1,612,078 alleles (0.00043%); highest among the groups gnomAD compares: South Asian, 0.0033%; no homozygotes.

Submissions (3):

Labcorp Genetics (formerly Invitae), Labcorp
Classification: Uncertain significance for Dyskeratosis congenita, autosomal recessive 5; Pulmonary fibrosis and/or bone marrow failure, Telomere-related, 3. Last evaluated: 2023-12-07. Review status: criteria provided, single submitter. Criteria: Invitae Variant Classification Sherloc (09022015). Collection method: clinical testing. Allele origin: germline.
Comment: This sequence change replaces valine, which is neutral and non-polar, with leucine, which is neutral and non-polar, at codon 956 of the RTEL1 protein (p.Val956Leu). This variant is present in population databases (no rsID available, gnomAD 0.004%). This variant has not been reported in the literature in individuals affected with RTEL1-related conditions. ClinVar contains an entry for this variant (Variation ID: 1448826). An algorithm developed to predict the effect of missense changes on protein structure and function (PolyPhen-2) suggests that this variant is likely to be disruptive. In summary, the available evidence is currently insufficient to determine the role of this variant in disease. Therefore, it has been classified as a Variant of Uncertain Significance.

Blueprint Genetics
Classification: Uncertain significance. Last evaluated: 2022-07-19. Review status: criteria provided, single submitter. Criteria: ACMG Guidelines, 2015. Collection method: clinical testing. Allele origin: germline.

Fulgent Genetics
Classification: Uncertain significance for Dyskeratosis congenita, autosomal recessive 5; Pulmonary fibrosis and/or bone marrow failure, Telomere-related, 3. Last evaluated: 2022-03-14. Review status: criteria provided, single submitter. Criteria: ACMG Guidelines, 2015. Collection method: clinical testing. Allele origin: unknown.